The following is an entry in ClinVar:

NM_013335.4(GMPPA):c.756-10C>T

Genes: ASIC4-AS1 (ASIC4 antisense RNA 1; minus strand), GMPPA (GDP-mannose pyrophosphorylase A; plus strand). Cytogenetic location: 2q35.
Variant type: single nucleotide variant.
Coding change: c.756-10C>T on transcript NM_013335.4 (MANE Select); 10 bases into the intron before coding-DNA position 756, C replaced by T.
Molecular consequence: intron variant.
Genome position (GRCh38, 1-based): chr2:219,505,448, C>T. VCF-style: chr2-219505448-C-T. GRCh37 (hg19) VCF-style: chr2-220370170-C-T.
Other names: c.756-10C>T (NM_205847.3).
Identifiers: ClinVar variation 384226 (VCV000384226.15), dbSNP rs368738474, ClinGen allele CA2128282.

ClinVar aggregate classification (germline): Likely benign. Review status: criteria provided, multiple submitters, no conflicts (2 of 4 stars). 3 submissions from 3 submitters: Likely benign (2). 1 of the submissions does not count toward it. Last evaluated 2025-12-28.

Conditions:
GMPPA-related disorder. Also called: GMPPA-related condition.
Alacrima, achalasia, and impaired intellectual development syndrome. Also called: Alacrima, achalasia, and intellectual disability syndrome; Alacrima, achalasia, and mental retardation syndrome. Identifiers: Orphanet 869, MedGen C4706563, MONDO:0014219, OMIM 615510.

Allele frequency attached by ClinVar (database versions not stated): gnomAD exomes 0.00008 and 0.00026; ExAC 0.00023; 1000 Genomes Project 30x 0.00047; ESP Exome Variant Server 0.00054; TOPMed 0.00067; 1000 Genomes Project 0.00060; gnomAD 0.00061 and 0.00062.
gnomAD v4.1: 209 of 1,585,362 alleles (0.013%); highest among the groups gnomAD compares: African/African-American, 0.21%; 2 homozygotes.

Submissions (3):

Labcorp Genetics (formerly Invitae), Labcorp
Classification: Likely benign for Alacrima, achalasia, and impaired intellectual development syndrome. Last evaluated: 2025-12-28. Review status: criteria provided, single submitter. Criteria: Invitae Variant Classification Sherloc (09022015). Collection method: clinical testing. Allele origin: germline.

GeneDx
Classification: Likely benign. Last evaluated: 2018-06-19. Review status: criteria provided, single submitter. Criteria: GeneDx Variant Classification Process June 2021. Collection method: clinical testing. Allele origin: germline. Affected: yes.

PreventionGenetics, part of Exact Sciences
Classification: Likely benign for GMPPA-related condition. Last evaluated: 2019-07-15. Review status: no assertion criteria provided. Collection method: clinical testing. Allele origin: germline. Not counted in ClinVar's aggregate classification.
Comment: This variant is classified as likely benign based on ACMG/AMP sequence variant interpretation guidelines (Richards et al. 2015 PMID: 25741868, with internal and published modifications).